The following is an entry in ClinVar:

NM_032888.4(COL27A1):c.3083dup (p.Met1029fs)

Gene: COL27A1 (collagen type XXVII alpha 1 chain; plus strand). Cytogenetic location: 9q32.
Variant type: Duplication.
Coding change: c.3083dup on transcript NM_032888.4 (MANE Select); coding-DNA position 3083, one base duplicated (C; older notation c.3083dupC).
Protein change: p.Met1029fs; shifts the reading frame from methionine 1029.
Molecular consequence: frameshift variant.
Genome position (GRCh38, 1-based): chr9:114,252,642, C duplicated. VCF-style (leftmost placement, unchanged base first): chr9-114252641-T-TC. GRCh37 (hg19) VCF-style: chr9-117014921-T-TC.
Other names: short protein forms M1029fs.
Identifiers: ClinVar variation 1360123 (VCV001360123.7), dbSNP rs2135531602, ClinGen allele CA2573143811.
Genomic context (GRCh38, chr9:114,252,641, plus strand): 5'-TCTCCATCACAGGGTGATCGTGGCATGATGGGACCCCCAGGCGTGCCTGGACCCAAGGGG[T>TC]CGATGGTAAGGAGTAAGTCTGCATCCTCTTGCCCTCTCCTGTTGCAGCCTTGAGTGACAG-3'

ClinVar aggregate classification (germline): Pathogenic/Likely pathogenic. Review status: criteria provided, multiple submitters, no conflicts (2 of 4 stars). 2 submissions from 2 submitters: Pathogenic (1); Likely pathogenic (1). Last evaluated 2024-06-19.

Conditions:
Steel syndrome (STLS). Identifiers: Orphanet 438117, MedGen C3554594, MONDO:0014061, OMIM 615155.

Submissions (2):

Fulgent Genetics
Classification: Likely pathogenic for Steel syndrome. Last evaluated: 2024-06-19. Review status: criteria provided, single submitter. Criteria: ACMG Guidelines, 2015. Collection method: clinical testing. Allele origin: germline.

Labcorp Genetics (formerly Invitae), Labcorp
Classification: Pathogenic. Last evaluated: 2023-07-25. Review status: criteria provided, single submitter. Criteria: Invitae Variant Classification Sherloc (09022015). Collection method: clinical testing. Allele origin: germline.
Comment: This sequence change creates a premature translational stop signal (p.Met1029Aspfs*75) in the COL27A1 gene. It is expected to result in an absent or disrupted protein product. Loss-of-function variants in COL27A1 are known to be pathogenic (PMID: 24986830, 28276056). This variant is not present in population databases (gnomAD no frequency). This variant has not been reported in the literature in individuals affected with COL27A1-related conditions. ClinVar contains an entry for this variant (Variation ID: 1360123). For these reasons, this variant has been classified as Pathogenic.

Literature cited by the submitters: PubMed 24986830 (cited by Labcorp Genetics (formerly Invitae), Labcorp); PubMed 28276056 (cited by Labcorp Genetics (formerly Invitae), Labcorp).